The following is an entry in ClinVar:

NM_021160.3(ABHD16A):c.260A>G (p.Tyr87Cys)

Gene: ABHD16A (abhydrolase domain containing 16A, phospholipase; minus strand). Cytogenetic location: 6p21.33.
Variant type: single nucleotide variant.
Coding change: c.260A>G on transcript NM_021160.3 (MANE Select); coding-DNA position 260, A replaced by G.
Protein change: p.Tyr87Cys; replaces tyrosine 87 with cysteine.
Molecular consequence: missense variant. On other transcripts: non-coding transcript variant (2).
Genome position (GRCh38, 1-based): chr6:31,701,025, T>C on the plus strand (A>G on the coding strand, the complement: ABHD16A is on the minus strand). VCF-style: chr6-31701025-T-C. GRCh37 (hg19) VCF-style: chr6-31668802-T-C.
Other names: c.161A>G, p.Tyr54Cys (NM_001177515.2); c.260A>G (NM_021160.2); short protein forms Y54C, Y87C.
Identifiers: ClinVar variation 2671941 (VCV002671941.2), dbSNP rs369726671, ClinGen allele CA3719503.

ClinVar aggregate classification (germline): Uncertain significance. Review status: criteria provided, multiple submitters, no conflicts (2 of 4 stars). 2 submissions from 2 submitters: Uncertain significance (2). Last evaluated 2026-02-16.

Conditions:
Inborn genetic diseases. Identifiers: MedGen C0950123, MeSH D030342.
Spastic paraplegia 86, autosomal recessive (SPG86). Identifiers: Orphanet 631085, MedGen C5676910, MONDO:0030673, OMIM 619735.

Allele frequency attached by ClinVar (database versions not stated): gnomAD 0.00001; TOPMed 0.00001; ExAC 0.00003; ESP Exome Variant Server 0.00008.
gnomAD v4.1: 16 of 1,612,742 alleles (0.00099%); highest among the groups gnomAD compares: Non-Finnish European, 0.0014%; no homozygotes.

Submissions (2):

Ambry Genetics
Classification: Uncertain significance for Inborn genetic diseases. Last evaluated: 2026-02-16. Review status: criteria provided, single submitter. Criteria: Ambry Variant Classification Scheme 2023. Collection method: clinical testing. Allele origin: germline.
Comment: The c.260A>G (p.Y87C) alteration is located in exon 4 (coding exon 4) of the ABHD16A gene. This alteration results from a A to G substitution at nucleotide position 260, causing the tyrosine (Y) at amino acid position 87 to be replaced by a cysteine (C). Based on data from gnomAD, the G allele has an overall frequency of 0.002% (5/251114) total alleles studied. The highest observed frequency was 0.004% (5/113622) of European (non-Finnish) alleles. Based on insufficient or conflicting evidence, the clinical significance of this alteration remains unclear.

Baylor Genetics
Classification: Uncertain significance for Spastic paraplegia 86, autosomal recessive. Last evaluated: 2023-11-02. Review status: criteria provided, single submitter. Criteria: ACMG Guidelines, 2015. Collection method: clinical testing. Allele origin: unknown.